The following is an entry in ClinVar:

NM_006231.4(POLE):c.720+4A>T

Gene: POLE (DNA polymerase epsilon, catalytic subunit; minus strand). Cytogenetic location: 12q24.33.
Variant type: single nucleotide variant.
Coding change: c.720+4A>T on transcript NM_006231.4 (MANE Select); 4 bases into the intron after coding-DNA position 720, A replaced by T.
Molecular consequence: intron variant.
Genome position (GRCh38, 1-based): chr12:132,677,574, T>A on the plus strand (A>T on the coding strand, the complement: POLE is on the minus strand). VCF-style: chr12-132677574-T-A. GRCh37 (hg19) VCF-style: chr12-133254160-T-A.
Identifiers: ClinVar variation 826904 (VCV000826904.13), dbSNP rs990057702, ClinGen allele CA246300206.

ClinVar aggregate classification (germline): Uncertain significance. Review status: criteria provided, multiple submitters, no conflicts (2 of 4 stars). 2 submissions from 2 submitters: Uncertain significance (2). Last evaluated 2026-01-09.

Conditions:
Hereditary cancer-predisposing syndrome. Also called: Hereditary Cancer Syndrome; Tumor predisposition; Neoplastic Syndromes, Hereditary; Hereditary neoplastic syndrome. Identifiers: Orphanet 140162, MedGen C0027672, MeSH D009386, MONDO:0015356.

Allele frequency attached by ClinVar (database versions not stated): gnomAD 0.00001; TOPMed 0.00001.
gnomAD v4.1: 1 of 1,614,022 alleles (0.000062%); highest among the groups gnomAD compares: Non-Finnish European, 0.000085%; no homozygotes.

Submissions (2):

Ambry Genetics
Classification: Uncertain significance for Hereditary cancer-predisposing syndrome. Last evaluated: 2026-01-09. Review status: criteria provided, single submitter. Criteria: Ambry Variant Classification Scheme 2023. Collection method: clinical testing. Allele origin: germline.
Comment: The c.720+4A>T intronic variant results from an A to T substitution 4 nucleotides after coding exon 7 in the POLE gene. This nucleotide position is highly conserved in available vertebrate species. In silico splice site analysis predicts that this alteration will not have any significant effect on splicing. Based on the available evidence, the clinical significance of this variant remains unclear.

Labcorp Genetics (formerly Invitae), Labcorp
Classification: Uncertain significance. Last evaluated: 2025-04-13. Review status: criteria provided, single submitter. Criteria: Invitae Variant Classification Sherloc (09022015). Collection method: clinical testing. Allele origin: germline.
Comment: This sequence change falls in intron 7 of the POLE gene. It does not directly change the encoded amino acid sequence of the POLE protein. It affects a nucleotide within the consensus splice site. This variant is not present in population databases (gnomAD no frequency). This variant has not been reported in the literature in individuals affected with POLE-related conditions. ClinVar contains an entry for this variant (Variation ID: 826904). Variants that disrupt the consensus splice site are a relatively common cause of aberrant splicing (PMID: 17576681, 9536098). Studies have shown that this variant is associated with inconclusive levels of altered splicing (internal data). In summary, the available evidence is currently insufficient to determine the role of this variant in disease. Therefore, it has been classified as a Variant of Uncertain Significance.

Literature cited by the submitters: PubMed 17576681 (cited by Labcorp Genetics (formerly Invitae), Labcorp); PubMed 9536098 (cited by Labcorp Genetics (formerly Invitae), Labcorp).